The following is an entry in ClinVar:

ClinVar aggregate classification (germline): Uncertain significance (1 of 4 stars; one submission).

Submission:

Labcorp Genetics (formerly Invitae), Labcorp
Classification: Uncertain significance. Last evaluated: 2024-08-31. Review status: criteria provided, single submitter. Criteria: Invitae Variant Classification Sherloc (09022015). Collection method: clinical testing. Allele origin: germline.
Comment: This sequence change replaces aspartic acid, which is acidic and polar, with valine, which is neutral and non-polar, at codon 272 of the MBD4 protein (p.Asp272Val). This variant is not present in population databases (gnomAD no frequency). This variant has not been reported in the literature in individuals affected with MBD4-related conditions. An algorithm developed to predict the effect of missense changes on protein structure and function (PolyPhen-2) suggests that this variant is likely to be tolerated. In summary, the available evidence is currently insufficient to determine the role of this variant in disease. Therefore, it has been classified as a Variant of Uncertain Significance.

NM_001276270.2(MBD4):c.815A>T (p.Asp272Val)

Gene: MBD4 (methyl-CpG binding domain 4, DNA glycosylase; minus strand). Cytogenetic location: 3q21.3.
Variant type: single nucleotide variant.
Coding change: c.815A>T on transcript NM_001276270.2 (MANE Select); coding-DNA position 815, A replaced by T.
Protein change: p.Asp272Val; replaces aspartic acid 272 with valine.
Molecular consequence: missense variant. On other transcripts: intron variant (1).
Genome position (GRCh38, 1-based): chr3:129,436,829, T>A on the plus strand (A>T on the coding strand, the complement: MBD4 is on the minus strand). VCF-style: chr3-129436829-T-A. GRCh37 (hg19) VCF-style: chr3-129155672-T-A.
Other names: c.815A>T, p.Asp272Val (NM_001276271.2, NM_001276272.2, NM_003925.3); c.247+979A>T (NM_001276273.2); short protein forms D272V.
Identifiers: ClinVar variation 3675822 (VCV003675822.2).